The following is an entry in ClinVar:

ClinVar aggregate classification (germline): Uncertain significance. Review status: criteria provided, multiple submitters, no conflicts (2 of 4 stars). 4 submissions from 4 submitters: Uncertain significance (4). Last evaluated 2023-02-22.

Conditions:
Inborn genetic diseases. Identifiers: MedGen C0950123, MeSH D030342.
Nephronophthisis 16 (NPHP16). Identifiers: Orphanet 655, MedGen C3809320, MONDO:0014158, OMIM 615382.

Allele frequency attached by ClinVar (database versions not stated): TOPMed 0.00007; gnomAD exomes 0.00008; gnomAD 0.00011.
gnomAD v4.1: 188 of 1,262,436 alleles (0.015%); highest among the groups gnomAD compares: Non-Finnish European, 0.018%; no homozygotes.

Submissions (4):

Ambry Genetics
Classification: Uncertain significance for Inborn genetic diseases. Last evaluated: 2023-02-22. Review status: criteria provided, single submitter. Criteria: Ambry Variant Classification Scheme 2023. Collection method: clinical testing. Allele origin: germline.

Fulgent Genetics
Classification: Uncertain significance for Nephronophthisis 16. Last evaluated: 2022-05-24. Review status: criteria provided, single submitter. Criteria: ACMG Guidelines, 2015. Collection method: clinical testing. Allele origin: unknown.

Labcorp Genetics (formerly Invitae), Labcorp
Classification: Uncertain significance for Nephronophthisis 16. Last evaluated: 2022-02-18. Review status: criteria provided, single submitter. Criteria: Invitae Variant Classification Sherloc (09022015). Collection method: clinical testing. Allele origin: germline.
Comment: This sequence change replaces alanine, which is neutral and non-polar, with proline, which is neutral and non-polar, at codon 64 of the ANKS6 protein (p.Ala64Pro). This variant is present in population databases (no rsID available, gnomAD 0.02%). This variant has not been reported in the literature in individuals affected with ANKS6-related conditions. ClinVar contains an entry for this variant (Variation ID: 1031714). Algorithms developed to predict the effect of missense changes on protein structure and function are either unavailable or do not agree on the potential impact of this missense change (SIFT: "Deleterious"; PolyPhen-2: "Benign"; Align-GVGD: "Class C0"). In summary, the available evidence is currently insufficient to determine the role of this variant in disease. Therefore, it has been classified as a Variant of Uncertain Significance.

Baylor Genetics
Classification: Uncertain significance for Nephronophthisis 16. Last evaluated: 2018-02-14. Review status: criteria provided, single submitter. Criteria: ACMG Guidelines, 2015. Collection method: clinical testing. Allele origin: unknown. Affected: yes.
Comment: This variant was determined to be of uncertain significance according to ACMG Guidelines, 2015 [PMID:25741868].

NM_173551.5(ANKS6):c.190G>C (p.Ala64Pro)

Gene: ANKS6 (ankyrin repeat and sterile alpha motif domain containing 6; minus strand). Cytogenetic location: 9q22.33.
Variant type: single nucleotide variant.
Coding change: c.190G>C on transcript NM_173551.5 (MANE Select); coding-DNA position 190, G replaced by C.
Protein change: p.Ala64Pro; replaces alanine 64 with proline.
Molecular consequence: missense variant.
Genome position (GRCh38, 1-based): chr9:98,796,302, C>G on the plus strand (G>C on the coding strand, the complement: ANKS6 is on the minus strand). VCF-style: chr9-98796302-C-G. GRCh37 (hg19) VCF-style: chr9-101558584-C-G.
Other names: short protein forms A64P.
Identifiers: ClinVar variation 1031714 (VCV001031714.5), dbSNP rs1022019420, ClinGen allele CA196829308.